The following is an entry in ClinVar:

ClinVar aggregate classification (germline): Uncertain significance. Review status: criteria provided, multiple submitters, no conflicts (2 of 4 stars). 3 submissions from 3 submitters: Uncertain significance (3). Last evaluated 2024-01-08.

Conditions:
Cardiac arrhythmia. Also called: Cardiac rhythm disease; Arrhythmia. Identifiers: MedGen C0003811, MONDO:0007263, HP:0011675.
Long QT syndrome (LQTS). Identifiers: MedGen C0023976, MeSH D008133, MONDO:0002442. Disease mechanism: loss of function. Inheritance: Various modes of inheritance.

gnomAD v4.1: 2 of 1,570,062 alleles (0.00013%); highest among the groups gnomAD compares: Non-Finnish European, 0.00017%; no homozygotes.

Submissions (3):

GeneDx
Classification: Uncertain significance. Last evaluated: 2024-01-08. Review status: criteria provided, single submitter. Criteria: GeneDx Variant Classification Process June 2021. Collection method: clinical testing. Allele origin: germline. Affected: yes.
Comment: Has not been previously published as pathogenic or benign to our knowledge; In silico analysis supports that this missense variant does not alter protein structure/function

Labcorp Genetics (formerly Invitae), Labcorp
Classification: Uncertain significance for Long QT syndrome. Last evaluated: 2023-05-08. Review status: criteria provided, single submitter. Criteria: Invitae Variant Classification Sherloc (09022015). Collection method: clinical testing. Allele origin: germline.
Comment: In summary, the available evidence is currently insufficient to determine the role of this variant in disease. Therefore, it has been classified as a Variant of Uncertain Significance. Advanced modeling of protein sequence and biophysical properties (such as structural, functional, and spatial information, amino acid conservation, physicochemical variation, residue mobility, and thermodynamic stability) has been performed at Invitae for this missense variant, however the output from this modeling did not meet the statistical confidence thresholds required to predict the impact of this variant on KCNQ1 protein function. This variant has not been reported in the literature in individuals affected with KCNQ1-related conditions. This variant is not present in population databases (gnomAD no frequency). This sequence change replaces threonine, which is neutral and polar, with isoleucine, which is neutral and non-polar, at codon 624 of the KCNQ1 protein (p.Thr624Ile).

Color Diagnostics, LLC DBA Color Health
Classification: Uncertain significance for Cardiac arrhythmia. Last evaluated: 2022-11-16. Review status: criteria provided, single submitter. Criteria: ACMG Guidelines, 2015. Collection method: clinical testing. Allele origin: germline.
Comment: This missense variant replaces threonine with isoleucine at codon 624 of the KCNQ1 protein. Computational prediction is inconclusive regarding the impact of this variant on protein structure and function (internally defined REVEL score threshold 0.5 < inconclusive < 0.7, PMID: 27666373). To our knowledge, functional studies have not been reported for this variant. This variant has not been reported in individuals affected with KCNQ1-related disorders in the literature. This variant has not been identified in the general population by the Genome Aggregation Database (gnomAD). The available evidence is insufficient to determine the role of this variant in disease conclusively. Therefore, this variant is classified as a Variant of Uncertain Significance.

NM_000218.3(KCNQ1):c.1871C>T (p.Thr624Ile)

Genes: KCNQ1 (potassium voltage-gated channel subfamily Q member 1; plus strand), KCNQ1-AS1 (KCNQ1 antisense RNA 1; minus strand). Cytogenetic location: 11p15.4.
Variant type: single nucleotide variant.
Coding change: c.1871C>T on transcript NM_000218.3 (MANE Select); coding-DNA position 1871, C replaced by T.
Protein change: p.Thr624Ile; replaces threonine 624 with isoleucine.
Molecular consequence: missense variant.
Genome position (GRCh38, 1-based): chr11:2,847,843, C>T. VCF-style: chr11-2847843-C-T. GRCh37 (hg19) VCF-style: chr11-2869073-C-T.
Other names: c.1775C>T, p.Thr592Ile (NM_001406836.1); c.1601C>T, p.Thr534Ile (NM_001406837.1); c.1331C>T, p.Thr444Ile (NM_001406838.1); c.383C>T, p.Thr128Ile (NM_001406839.1); c.1490C>T, p.Thr497Ile (NM_181798.2); short protein forms T444I, T497I, T592I, T624I, T128I, T534I.
Identifiers: ClinVar variation 2773485 (VCV002773485.6), dbSNP rs1254125115, ClinGen allele CA379140336.